The following is an entry in ClinVar:

ClinVar aggregate classification (germline): Conflicting classifications of pathogenicity. Review status: criteria provided, conflicting classifications (1 of 4 stars). 6 submissions from 6 submitters: Uncertain significance (1); Likely benign (4). 1 of the submissions does not count toward it. Last evaluated 2023-03-23.

Conditions:
Hereditary cancer-predisposing syndrome. Also called: Hereditary neoplastic syndrome; Neoplastic Syndromes, Hereditary; Tumor predisposition; Hereditary Cancer Syndrome. Identifiers: Orphanet 140162, MedGen C0027672, MeSH D009386, MONDO:0015356.
Breast-ovarian cancer, familial, susceptibility to, 2 (BROVCA2). Also called: BRCA2 Hereditary Breast and Ovarian Cancer. Identifiers: Orphanet 145, MedGen C2675520, MONDO:0012933, OMIM 612555. Disease mechanism: loss of function.

Allele frequency attached by ClinVar (database versions not stated): TOPMed below 0.00001; ExAC 0.00001; gnomAD exomes 0.00001; gnomAD 0.00003.

Submissions (6):

University of Washington Department of Laboratory Medicine, University of Washington
Classification: Likely benign for Hereditary cancer-predisposing syndrome. Last evaluated: 2023-03-23. Review status: criteria provided, single submitter. Criteria: Dines et al. (Genet Med. 2020). Collection method: curation. Allele origin: germline.
Comment: Missense variant in a coldspot region where missense variants are very unlikely to be pathogenic (PMID:31911673).

BRCA2 exon 10 coldspot. Reclassification based on statistical prior probability.

All of Us Research Program, National Institutes of Health
Classification: Likely benign for Breast-ovarian cancer, familial, susceptibility to, 2. Last evaluated: 2023-02-10. Review status: criteria provided, single submitter. Criteria: ACMG Guidelines, 2015. Collection method: clinical testing. Allele origin: germline. Inheritance: Autosomal dominant inheritance. Observed: 1 variant allele, 1 heterozygote.
Comment: This study involves interpretation of variants in research participants for the purpose of population health screening. Participant phenotype was not available at the time of variant classification. Additional details can be found in publication PMID: 35346344, PMCID: PMC8962531

Ambry Genetics
Classification: Likely benign for Hereditary cancer-predisposing syndrome. Last evaluated: 2019-03-19. Review status: criteria provided, single submitter. Criteria: Ambry Variant Classification Scheme 2023. Collection method: clinical testing. Allele origin: germline.

Women's Health and Genetics/Laboratory Corporation of America, LabCorp
Classification: Uncertain significance. Last evaluated: 2017-12-21. Review status: criteria provided, single submitter. Criteria: LabCorp Variant Classification Summary - May 2015. Collection method: clinical testing. Allele origin: germline.
Comment: Variant summary: The BRCA2 c.1216G>A (p.Ala406Thr) variant involves the alteration of a non-conserved nucleotide and 3/4 in silico tools predict a benign outcome for this variant (SNPsandGO not captured due to low reliability index). However, these predictions have yet to be functionally assessed. This variant was found in 2/245772 control chromosomes (gnomAD) at a frequency of 0.0000081, which does not exceed the estimated maximal expected allele frequency of a pathogenic BRCA2 variant (0.0007503). Multiple publications have cited the variant with limited information (lack of cosegregation and/or co-occurrence data). However, the variant has been reported by two reputable databases to co-occur with a pathogenic BRCA2 variant, c.3599_3600delGT (Cys1200X) and c.4889C>G (p.Ser1630X). A reputable database (BRCAShare) cites the variant as "UV." Therefore, the variant of interest has been classified as a "Variant of Uncertain Significance - Possibly Benign," until additional information becomes available.

Color Diagnostics, LLC DBA Color Health
Classification: Likely benign for Hereditary cancer-predisposing syndrome. Last evaluated: 2017-02-17. Review status: criteria provided, single submitter. Criteria: ACMG Guidelines, 2015. Collection method: clinical testing. Allele origin: germline.

Department of Pathology and Laboratory Medicine, Sinai Health System
Classification: Likely benign for Breast-ovarian cancer, familial, susceptibility to, 2. Review status: no assertion criteria provided. Collection method: clinical testing. Allele origin: unknown. Affected: yes. Observed: 1 variant allele. Study: The Canadian Open Genetics Repository (COGR). Not counted in ClinVar's aggregate classification.
Comment: The BRCA2 p.Ala406Thr variant was identified in 2 of 5052 proband chromosomes (frequency: 0.0004) from individuals or families with ovarian or breast cancer (Alsop 2012, Caux-Moncoutier 2011). The variant was also identified in dbSNP (ID: rs751535164) as "With Likely benign allele", ClinVar (classified as likely benign by Ambry Genetics), LOVD 3.0 (1x), and UMD-LSDB (2x as unclassified variant). This variant has been reported as co-occurring with a pathogenic BRCA2 variant (c.4889C>G, p.Ser1630*), increasing the likelihood that the p.Ala406Thr variant does not have clinical significance. The variant was identified in control databases in 2 of 245772 chromosomes at a frequency of 0.000008 (Genome Aggregation Database Feb 27, 2017). The variant was observed in the European population in 2 of 111488 chromosomes (freq: 0.00002), while the variant was not observed in the African, Other, Latino, Ashkenazi Jewish, East Asian, Finnish, or South Asian populations. The p.Ala406 residue is not conserved in mammals and computational analyses (PolyPhen-2, SIFT, AlignGVGD, BLOSUM) do not suggest a high likelihood of impact to the protein; however, this information is not predictive enough to rule out pathogenicity. The variant occurs outside of the splicing consensus sequence and in silico or computational prediction software programs (SpliceSiteFinder, MaxEntScan, NNSPLICE, GeneSplicer) do not predict a difference in splicing. In summary, based on the above information, the clinical significance of this variant cannot be determined with certainty at this time although we would lean towards a more benign role for this variant. This variant is classified as likely benign.

Literature cited by the submitters: PubMed 21120943 (cited by Ambry Genetics and Women's Health and Genetics/Laboratory Corporation of America, LabCorp).

NM_000059.4(BRCA2):c.1216G>A (p.Ala406Thr)

Gene: BRCA2 (BRCA2 DNA repair associated; plus strand). Cytogenetic location: 13q13.1.
Variant type: single nucleotide variant.
Coding change: c.1216G>A on transcript NM_000059.4 (MANE Select); coding-DNA position 1216, G replaced by A.
Protein change: p.Ala406Thr; replaces alanine 406 with threonine.
Molecular consequence: missense variant.
Genome position (GRCh38, 1-based): chr13:32,332,694, G>A. VCF-style: chr13-32332694-G-A. GRCh37 (hg19) VCF-style: chr13-32906831-G-A.
Other names: short protein forms A406T.
Identifiers: ClinVar variation 480968 (VCV000480968.12), dbSNP rs751535164, ClinGen allele CA6940498.